The following is an entry in ClinVar:

NM_001830.4(CLCN4):c.1462G>C (p.Glu488Gln)

Gene: CLCN4 (chloride voltage-gated channel 4; plus strand). Cytogenetic location: Xp22.2.
Variant type: single nucleotide variant.
Coding change: c.1462G>C on transcript NM_001830.4 (MANE Select); coding-DNA position 1462, G replaced by C.
Protein change: p.Glu488Gln; replaces glutamic acid 488 with glutamine.
Molecular consequence: missense variant.
Genome position (GRCh38, 1-based): chrX:10,212,539, G>C. VCF-style: chrX-10212539-G-C. GRCh37 (hg19) VCF-style: chrX-10180579-G-C.
Other names: c.1462G>C (NM_001830.3); c.1180G>C, p.Glu394Gln (NM_001256944.2); short protein forms E394Q, E488Q.
Identifiers: ClinVar variation 1377946 (VCV001377946.9), dbSNP rs781711653, ClinGen allele CA10347240.

ClinVar aggregate classification (germline): Uncertain significance. Review status: criteria provided, multiple submitters, no conflicts (2 of 4 stars). 2 submissions from 2 submitters: Uncertain significance (2). Last evaluated 2025-08-09.

Conditions:
Inborn genetic diseases. Identifiers: MedGen C0950123, MeSH D030342.

Allele frequency attached by ClinVar (database versions not stated): ExAC 0.00001; gnomAD exomes 0.00001; TOPMed 0.00001; gnomAD 0.00002.

Submissions (2):

Ambry Genetics
Classification: Uncertain significance for Inborn genetic diseases. Last evaluated: 2025-08-09. Review status: criteria provided, single submitter. Criteria: Ambry Variant Classification Scheme 2023. Collection method: clinical testing. Allele origin: germline.

Labcorp Genetics (formerly Invitae), Labcorp
Classification: Uncertain significance. Last evaluated: 2025-07-21. Review status: criteria provided, single submitter. Criteria: Invitae Variant Classification Sherloc (09022015). Collection method: clinical testing. Allele origin: germline.
Comment: This sequence change replaces glutamic acid, which is acidic and polar, with glutamine, which is neutral and polar, at codon 488 of the CLCN4 protein (p.Glu488Gln). This variant is not present in population databases (gnomAD no frequency). This variant has not been reported in the literature in individuals affected with CLCN4-related conditions. ClinVar contains an entry for this variant (Variation ID: 1377946). Invitae Evidence Modeling of protein sequence and biophysical properties (such as structural, functional, and spatial information, amino acid conservation, physicochemical variation, residue mobility, and thermodynamic stability) has been performed for this missense variant. However, the output from this modeling did not meet the statistical confidence thresholds required to predict the impact of this variant on CLCN4 protein function. In summary, the available evidence is currently insufficient to determine the role of this variant in disease. Therefore, it has been classified as a Variant of Uncertain Significance.